The following is an entry in ClinVar:

NM_005422.4(TECTA):c.5000A>G (p.Glu1667Gly)

Genes: TBCEL-TECTA (TBCEL-TECTA readthrough; plus strand), TECTA (tectorin alpha; plus strand). Cytogenetic location: 11q23.3.
Variant type: single nucleotide variant.
Coding change: c.5000A>G on transcript NM_005422.4 (MANE Select); coding-DNA position 5000, A replaced by G.
Protein change: p.Glu1667Gly; replaces glutamic acid 1667 with glycine.
Molecular consequence: missense variant.
Genome position (GRCh38, 1-based): chr11:121,162,098, A>G. VCF-style: chr11-121162098-A-G. GRCh37 (hg19) VCF-style: chr11-121032807-A-G.
Other names: c.5942A>G, p.Glu1981Gly (NM_001378761.1); short protein forms E1667G, E1981G.
Identifiers: ClinVar variation 4853578 (VCV004853578.1).

ClinVar aggregate classification (germline): Uncertain significance (1 of 4 stars; one submission).

Submission:

Women's Health and Genetics/Laboratory Corporation of America, LabCorp
Classification: Uncertain significance. Last evaluated: 2026-05-04. Review status: criteria provided, single submitter. Criteria: LabCorp Variant Classification Summary - May 2015. Collection method: clinical testing. Allele origin: germline.
Comment: Variant summary: TECTA c.5000A>G (p.Glu1667Gly) results in a non-conservative amino acid change in the encoded protein sequence. Algorithms developed to predict the effect of missense changes on protein structure and function are either unavailable or do not agree on the potential impact of this missense change. The variant allele was found at a frequency of 4.8e-05 in 251100 control chromosomes. This frequency is not significantly higher than estimated for disease-causing variants in TECTA, allowing no conclusion about variant significance. c.5000A>G has been observed in individual(s) affected with Deafness (Han_2019). These report(s) do not provide unequivocal conclusions about association of the variant with Deafness, Autosomal Recessive 21. To our knowledge, no experimental evidence demonstrating an impact on protein function has been reported. The following publication have been ascertained in the context of this evaluation (PMID: 30733538). No submitters have cited clinical-significance assessments for this variant to ClinVar. Based on the evidence outlined above, the variant was classified as uncertain significance.

Literature cited by the submitters: PubMed 30733538.